The following is an entry in ClinVar:

ClinVar aggregate classification (germline): Likely benign (0 of 4 stars; one submission).

Conditions:
TUB-related disorder. Also called: TUB-related condition.

Submission:

PreventionGenetics, part of Exact Sciences
Classification: Likely benign for TUB-related condition. Last evaluated: 2021-10-20. Review status: no assertion criteria provided. Collection method: clinical testing. Allele origin: germline.
Comment: This variant is classified as likely benign based on ACMG/AMP sequence variant interpretation guidelines (Richards et al. 2015 PMID: 25741868, with internal and published modifications).

NM_177972.3(TUB):c.565+3G>A

Genes: RIC3 (RIC3 acetylcholine receptor chaperone; minus strand), TUB (TUB bipartite transcription factor; plus strand). Cytogenetic location: 11p15.4.
Variant type: single nucleotide variant.
Coding change: c.565+3G>A on transcript NM_177972.3 (MANE Select); 3 bases into the intron after coding-DNA position 565, G replaced by A.
Molecular consequence: intron variant.
Genome position (GRCh38, 1-based): chr11:8,095,668, G>A. VCF-style: chr11-8095668-G-A. GRCh37 (hg19) VCF-style: chr11-8117215-G-A.
Other names: c.730+3G>A (NM_003320.5).
Identifiers: ClinVar variation 3350674 (VCV003350674.1).